The following is an entry in ClinVar:

NM_022552.5(DNMT3A):c.1151del (p.Phe384fs)

Gene: DNMT3A (DNA methyltransferase 3 alpha; minus strand). Cytogenetic location: 2p23.3.
Variant type: Deletion.
Coding change: c.1151del on transcript NM_022552.5 (MANE Select); coding-DNA position 1151, one base deleted (T; older notation c.1151delT).
Protein change: p.Phe384fs; shifts the reading frame from phenylalanine 384.
Molecular consequence: frameshift variant. On other transcripts: non-coding transcript variant (1).
Genome position (GRCh38, 1-based): chr2:25,246,748, A deleted on the plus strand (T on the coding strand, the reverse complement: DNMT3A is on the minus strand); the first of 2 consecutive A bases (chr2:25,246,748-25,246,749); deleting either gives the same sequence. VCF-style (leftmost placement, unchanged base first): chr2-25246747-GA-G. GRCh37 (hg19) VCF-style: chr2-25469616-GA-G.
Other names: c.695del, p.Phe232fs (NM_001320893.1); c.482del, p.Phe161fs (NM_001375819.1); c.584del, p.Phe195fs (NM_153759.3); c.1151del, p.Phe384fs (NM_175629.2); short protein forms F161fs, F195fs, F232fs, F384fs.
Identifiers: ClinVar variation 2749986 (VCV002749986.3), dbSNP rs2465537504, ClinGen allele CA2658172429.

ClinVar aggregate classification (germline): Pathogenic (1 of 4 stars; one submission).

Conditions:
Tatton-Brown-Rahman overgrowth syndrome. Also called: Tall stature-intellectual disability-facial dysmorphism syndrome; Tatton-Brown-Rahman syndrome. Identifiers: Orphanet 404443, MedGen C4014545, MONDO:0014382, OMIM 615879.

Submission:

Labcorp Genetics (formerly Invitae), Labcorp
Classification: Pathogenic for Tatton-Brown-Rahman overgrowth syndrome. Last evaluated: 2025-10-02. Review status: criteria provided, single submitter. Criteria: Invitae Variant Classification Sherloc (09022015). Collection method: clinical testing. Allele origin: germline.
Comment: This sequence change creates a premature translational stop signal (p.Phe384Serfs*23) in the DNMT3A gene. It is expected to result in an absent or disrupted protein product. Loss-of-function variants in DNMT3A are known to be pathogenic (PMID: 24614070). This variant is not present in population databases (gnomAD no frequency). This variant has not been reported in the literature in individuals affected with DNMT3A-related conditions. ClinVar contains an entry for this variant (Variation ID: 2749986). For these reasons, this variant has been classified as Pathogenic.

Literature cited by the submitters: PubMed 24614070.